The following is an entry in ClinVar:

NM_194248.3(OTOF):c.1469del (p.Pro490fs)

Gene: OTOF (otoferlin; minus strand). Cytogenetic location: 2p23.3.
Variant type: Deletion.
Coding change: c.1469del on transcript NM_194248.3 (MANE Select); coding-DNA position 1469, one base deleted (C; older notation c.1469delC).
Protein change: p.Pro490fs; shifts the reading frame from proline 490.
Molecular consequence: frameshift variant.
Genome position (GRCh38, 1-based): chr2:26,482,516, G deleted on the plus strand (C on the coding strand, the reverse complement: OTOF is on the minus strand); the first of 6 consecutive G bases (chr2:26,482,516-26,482,521); deleting any one gives the same sequence. VCF-style (leftmost placement, unchanged base first): chr2-26482515-TG-T. GRCh37 (hg19) VCF-style: chr2-26705383-TG-T.
Other names: c.1469del, p.Pro490fs (NM_001287489.2); short protein forms P490fs.
Identifiers: ClinVar variation 1457789 (VCV001457789.6), dbSNP rs779119416, ClinGen allele CA1564263.

ClinVar aggregate classification (germline): Pathogenic (1 of 4 stars; one submission).

Submission:

Labcorp Genetics (formerly Invitae), Labcorp
Classification: Pathogenic. Last evaluated: 2023-01-16. Review status: criteria provided, single submitter. Criteria: Invitae Variant Classification Sherloc (09022015). Collection method: clinical testing. Allele origin: germline.
Comment: For these reasons, this variant has been classified as Pathogenic. ClinVar contains an entry for this variant (Variation ID: 1457789). This variant has not been reported in the literature in individuals affected with OTOF-related conditions. This variant is present in population databases (rs779119416, gnomAD 0.003%). This sequence change creates a premature translational stop signal (p.Pro490Hisfs*6) in the OTOF gene. It is expected to result in an absent or disrupted protein product. Loss-of-function variants in OTOF are known to be pathogenic (PMID: 18381613, 19250381, 22575033).

Literature cited by the submitters: PubMed 18381613; PubMed 19250381; PubMed 22575033.